The following is an entry in ClinVar:

ClinVar aggregate classification (germline): Uncertain significance (1 of 4 stars; one submission).

Allele frequency attached by ClinVar (database versions not stated): gnomAD exomes below 0.00001.
gnomAD v4.1: 5 of 1,614,166 alleles (0.00031%); highest among the groups gnomAD compares: Non-Finnish European, 0.00042%; no homozygotes.

Submission:

Labcorp Genetics (formerly Invitae), Labcorp
Classification: Uncertain significance. Last evaluated: 2018-02-08. Review status: criteria provided, single submitter. Criteria: Invitae Variant Classification Sherloc (09022015). Collection method: clinical testing. Allele origin: germline.
Comment: In summary, the available evidence is currently insufficient to determine the role of this variant in disease. Therefore, it has been classified as a Variant of Uncertain Significance. Algorithms developed to predict the effect of missense changes on protein structure and function do not agree on the potential impact of this missense change (SIFT: "Tolerated"; PolyPhen-2: "Possibly Damaging"; Align-GVGD: "Class C0"). This variant has not been reported in the literature in individuals with CHCHD2-related disease. This variant is not present in population databases (ExAC no frequency). This sequence change replaces proline with arginine at codon 107 of the CHCHD2 protein (p.Pro107Arg). The proline residue is weakly conserved and there is a moderate physicochemical difference between proline and arginine.

NM_016139.4(CHCHD2):c.320C>G (p.Pro107Arg)

Gene: CHCHD2 (coiled-coil-helix-coiled-coil-helix domain containing 2; minus strand). Cytogenetic location: 7p11.2.
Variant type: single nucleotide variant.
Coding change: c.320C>G on transcript NM_016139.4 (MANE Select); coding-DNA position 320, C replaced by G.
Protein change: p.Pro107Arg; replaces proline 107 with arginine.
Molecular consequence: missense variant.
Genome position (GRCh38, 1-based): chr7:56,102,992, G>C on the plus strand (C>G on the coding strand, the complement: CHCHD2 is on the minus strand). VCF-style: chr7-56102992-G-C. GRCh37 (hg19) VCF-style: chr7-56170685-G-C.
Other names: c.320C>G, p.Pro107Arg (NM_001320327.2); short protein forms P107R.
Identifiers: ClinVar variation 1008444 (VCV001008444.8), dbSNP rs1785317244, ClinGen allele CA367612533.